The following is an entry in ClinVar:

NM_001080449.3(DNA2):c.2242C>A (p.His748Asn)

Gene: DNA2 (DNA replication helicase/nuclease 2; minus strand). Cytogenetic location: 10q21.3.
Variant type: single nucleotide variant.
Coding change: c.2242C>A on transcript NM_001080449.3 (MANE Select); coding-DNA position 2242, C replaced by A.
Protein change: p.His748Asn; replaces histidine 748 with asparagine.
Molecular consequence: missense variant. On other transcripts: non-coding transcript variant (1).
Genome position (GRCh38, 1-based): chr10:68,422,857, G>T on the plus strand (C>A on the coding strand, the complement: DNA2 is on the minus strand). VCF-style: chr10-68422857-G-T. GRCh37 (hg19) VCF-style: chr10-70182614-G-T.
Other names: short protein forms H748N.
Identifiers: ClinVar variation 2974961 (VCV002974961.3), dbSNP rs777857084, ClinGen allele CA5524863.

ClinVar aggregate classification (germline): Uncertain significance (1 of 4 stars; one submission).

Allele frequency attached by ClinVar (database versions not stated): gnomAD exomes below 0.00001; ExAC 0.00001.
gnomAD v4.1: 6 of 1,599,522 alleles (0.00038%); highest among the groups gnomAD compares: Non-Finnish European, 0.00043%; no homozygotes.

Submission:

Labcorp Genetics (formerly Invitae), Labcorp
Classification: Uncertain significance. Last evaluated: 2023-03-10. Review status: criteria provided, single submitter. Criteria: Invitae Variant Classification Sherloc (09022015). Collection method: clinical testing. Allele origin: germline.
Comment: In summary, the available evidence is currently insufficient to determine the role of this variant in disease. Therefore, it has been classified as a Variant of Uncertain Significance. Advanced modeling of protein sequence and biophysical properties (such as structural, functional, and spatial information, amino acid conservation, physicochemical variation, residue mobility, and thermodynamic stability) performed at Invitae indicates that this missense variant is not expected to disrupt DNA2 protein function. This variant has not been reported in the literature in individuals affected with DNA2-related conditions. This variant is present in population databases (rs777857084, gnomAD 0.0009%). This sequence change replaces histidine, which is basic and polar, with asparagine, which is neutral and polar, at codon 748 of the DNA2 protein (p.His748Asn).